The following is an entry in ClinVar:

NM_001374736.1(DST):c.15581T>G (p.Phe5194Cys)

Gene: DST (dystonin; minus strand). Cytogenetic location: 6p12.1.
Variant type: single nucleotide variant.
Coding change: c.15581T>G on transcript NM_001374736.1 (MANE Select); coding-DNA position 15581, T replaced by G.
Protein change: p.Phe5194Cys; replaces phenylalanine 5194 with cysteine.
Molecular consequence: missense variant.
Genome position (GRCh38, 1-based): chr6:56,553,211, A>C on the plus strand (T>G on the coding strand, the complement: DST is on the minus strand). VCF-style: chr6-56553211-A-C. GRCh37 (hg19) VCF-style: chr6-56418009-A-C.
Other names: c.9224T>G, p.Phe3075Cys (NM_001144769.5); c.8810T>G, p.Phe2937Cys (NM_001144770.2); c.15581T>G, p.Phe5194Cys (NM_001374722.1); c.14948T>G, p.Phe4983Cys (NM_001374729.1); c.8690T>G, p.Phe2897Cys (NM_001374730.1, NM_001386100.1, NM_183380.4); c.15608T>G, p.Phe5203Cys (NM_001374734.1); c.7712T>G, p.Phe2571Cys (NM_015548.5); short protein forms F2897C, F2937C, F3075C, F4983C, F5194C, F5203C, F2571C.
Identifiers: ClinVar variation 2005147 (VCV002005147.4), dbSNP rs2097349078, ClinGen allele CA364516665.
Genomic context (GRCh38, chr6:56,553,211, plus strand): 5'-TCCTTCTGCAGAGACTTTAACTTGGCAATAGAATTCTCTCCTTCAGCAGGATCCAAGCAA[A>C]ATTTTATTTCCTCCAGGTTGTTTTGGCATTTGTCTATCCATGGCCAGAGAGTCTCTACTT-3'
Protein context (NP_001361665.1, residues 5184-5204): KCQNNLEEIK[Phe5194Cys]CLDPAEGENS

ClinVar aggregate classification (germline): Uncertain significance (1 of 4 stars; one submission).

Conditions:
Hereditary sensory and autonomic neuropathy type 6. Also called: HSAN VI; Neuropathy, hereditary sensory and autonomic, type VI. Identifiers: Orphanet 314381, MedGen C3539003, MONDO:0013839, OMIM 614653.
Epidermolysis bullosa simplex 3, localized or generalized intermediate, with BP230 deficiency (EBS3). Also called: Epidermolysis bullosa simplex due to BP230 deficiency; Epidermolysis bullosa simplex, autosomal recessive 2. Identifiers: Orphanet 412181, MedGen C3809470, MONDO:0014180, OMIM 615425.

Allele frequency attached by ClinVar (database versions not stated): gnomAD 0.00001.
gnomAD v4.1: 1 of 1,613,748 alleles (0.000062%); highest among the groups gnomAD compares: Non-Finnish European, 0.000085%; no homozygotes.

Submission:

Labcorp Genetics (formerly Invitae), Labcorp
Classification: Uncertain significance for Epidermolysis bullosa simplex 3, localized or generalized intermediate, with BP230 deficiency; Hereditary sensory and autonomic neuropathy type 6. Last evaluated: 2022-06-12. Review status: criteria provided, single submitter. Criteria: Invitae Variant Classification Sherloc (09022015). Collection method: clinical testing. Allele origin: germline.
Comment: This variant is not present in population databases (gnomAD no frequency). This sequence change replaces phenylalanine, which is neutral and non-polar, with cysteine, which is neutral and slightly polar, at codon 2571 of the DST protein (p.Phe2571Cys). The DST gene has multiple clinically relevant transcripts. This variant occurs in alternate transcript NM_015548.4, and corresponds to NM_001723.5:c.*62306T>G in the primary transcript. This variant has not been reported in the literature in individuals affected with DST-related conditions. In summary, the available evidence is currently insufficient to determine the role of this variant in disease. Therefore, it has been classified as a Variant of Uncertain Significance. Experimental studies and prediction algorithms are not available or were not evaluated, and the functional significance of this variant is currently unknown.